The following is an entry in ClinVar:

NM_000038.6(APC):c.1046A>T (p.Gln349Leu)

Gene: APC (APC regulator of Wnt signaling pathway; plus strand). Cytogenetic location: 5q22.2.
Variant type: single nucleotide variant.
Coding change: c.1046A>T on transcript NM_000038.6 (MANE Select); coding-DNA position 1046, A replaced by T.
Protein change: p.Gln349Leu; replaces glutamine 349 with leucine.
Molecular consequence: missense variant. On other transcripts: non-coding transcript variant (2), intron variant (15).
Genome position (GRCh38, 1-based): chr5:112,819,078, A>T. VCF-style: chr5-112819078-A-T. GRCh37 (hg19) VCF-style: chr5-112154775-A-T.
Other names: c.971A>T, p.Gln324Leu (NM_001354898.2, NM_001407451.1); c.962A>T, p.Gln321Leu (NM_001354899.2, NM_001407452.1); c.869A>T, p.Gln290Leu (NM_001354900.2, NM_001354901.2, NM_001407453.1); c.197A>T, p.Gln66Leu (NM_001354906.2, NM_001407470.1); c.1076A>T, p.Gln359Leu (NM_001407446.1, NM_001354897.2); c.1046A>T, p.Gln349Leu (NM_001407447.1, NM_001407448.1, NM_001407449.1 and 4 more transcripts); c.992A>T, p.Gln331Leu (NM_001127511.3); c.85-191A>T (NM_001407472.1, NM_001407471.1); and 5 more; short protein forms Q349L, Q290L, Q321L, Q324L, Q331L, Q359L, Q66L.
Identifiers: ClinVar variation 5024706 (VCV005024706.1).

ClinVar aggregate classification (germline): Uncertain significance (1 of 4 stars; one submission).

Conditions:
Hereditary cancer-predisposing syndrome. Also called: Neoplastic Syndromes, Hereditary; Tumor predisposition; Hereditary neoplastic syndrome; Hereditary Cancer Syndrome. Identifiers: Orphanet 140162, MedGen C0027672, MeSH D009386, MONDO:0015356.

Submission:

Ambry Genetics
Classification: Uncertain significance for Hereditary cancer-predisposing syndrome. Last evaluated: 2026-06-21. Review status: criteria provided, single submitter. Criteria: Ambry Variant Classification Scheme 2023. Collection method: clinical testing. Allele origin: germline.
Comment: The p.Q349L variant (also known as c.1046A>T), located in coding exon 9 of the APC gene, results from an A to T substitution at nucleotide position 1046. The glutamine at codon 349 is replaced by leucine, an amino acid with dissimilar properties. This amino acid position is conserved. In addition, in silico predictors for this gene do not accurately predict pathogenicity. Based on the available evidence, the clinical significance of this variant remains unclear.